The following is an entry in ClinVar:

NM_032638.5(GATA2):c.553C>A (p.Pro185Thr)

Gene: GATA2 (GATA binding protein 2; minus strand). Cytogenetic location: 3q21.3.
Variant type: single nucleotide variant.
Coding change: c.553C>A on transcript NM_032638.5 (MANE Select); coding-DNA position 553, C replaced by A.
Protein change: p.Pro185Thr; replaces proline 185 with threonine.
Molecular consequence: missense variant.
Genome position (GRCh38, 1-based): chr3:128,486,045, G>T on the plus strand (C>A on the coding strand, the complement: GATA2 is on the minus strand). VCF-style: chr3-128486045-G-T. GRCh37 (hg19) VCF-style: chr3-128204888-G-T.
Other names: c.553C>A, p.Pro185Thr (NM_001145661.2, NM_001145662.1); short protein forms P185T.
Identifiers: ClinVar variation 950413 (VCV000950413.9), dbSNP rs1373180685, ClinGen allele CA354406529.
Genomic context (GRCh38, chr3:128,486,045, plus strand): 5'-CTCGGGCTGCACTACCCCCCGCGGAAGATGAGGCTGGAGACGCAGCCCCCGTGGTGCTAG[G>T]GTCAGGAGACACTTCTTTGGGTGGCGTGGGTGGGAAGCCGAAAAGGTGGGAGCCAGAGTG-3'
Protein context (NP_116027.2, residues 175-195): PTPPKEVSPD[Pro185Thr]STTGAASPAS

ClinVar aggregate classification (germline): Uncertain significance (1 of 4 stars; one submission).

Conditions:
Deafness-lymphedema-leukemia syndrome. Also called: Emberger syndrome; Lymphedema, primary, with myelodysplasia. Identifiers: Orphanet 3226, MedGen C3279664, MONDO:0013540, OMIM 614038.
Monocytopenia with susceptibility to infections. Also called: IMMUNODEFICIENCY 21; GATA2 DEFICIENCY; MONOCYTOPENIA AND MYCOBACTERIAL INFECTION SYNDROME; MONOCYTOPENIA WITH SUSCEPTIBILITY TO MYCOBACTERIAL, FUNGAL, AND PAPILLOMAVIRUS INFECTIONS AND MYELODYSPLASIA; COMBINED IMMUNODEFICIENCY WITH SUSCEPTIBILITY TO MYCOBACTERIAL, VIRAL, AND FUNGAL INFECTIONS; Dendritic cell, monocyte, B lymphocyte, and natural killer lymphocyte deficiency. Identifiers: Orphanet 228423, MedGen C3280030, MONDO:0013607, OMIM 614172.

gnomAD v4.1: 1 of 1,614,150 alleles (0.000062%); highest among the groups gnomAD compares: Non-Finnish European, 0.000085%; no homozygotes.

Submission:

Labcorp Genetics (formerly Invitae), Labcorp
Classification: Uncertain significance for Monocytopenia with susceptibility to infections; Deafness-lymphedema-leukemia syndrome. Last evaluated: 2019-05-06. Review status: criteria provided, single submitter. Criteria: Invitae Variant Classification Sherloc (09022015). Collection method: clinical testing. Allele origin: germline.
Comment: This sequence change replaces proline with threonine at codon 185 of the GATA2 protein (p.Pro185Thr). The proline residue is highly conserved and there is a small physicochemical difference between proline and threonine. This variant is not present in population databases (ExAC no frequency). This variant has not been reported in the literature in individuals with GATA2-related conditions. Algorithms developed to predict the effect of missense changes on protein structure and function are either unavailable or do not agree on the potential impact of this missense change (SIFT: "Deleterious"; PolyPhen-2: "Probably Damaging"; Align-GVGD: "Class C0"). In summary, the available evidence is currently insufficient to determine the role of this variant in disease. Therefore, it has been classified as a Variant of Uncertain Significance.